The following is an entry in ClinVar:

NM_001080467.3(MYO5B):c.*2747A>C

Genes: SNHG22 (small nucleolar RNA host gene 22; plus strand), MYO5B (myosin VB; minus strand). Cytogenetic location: 18q21.1.
Variant type: single nucleotide variant.
Coding change: c.*2747A>C on transcript NM_001080467.3 (MANE Select); 2747 bases downstream of the stop codon, A replaced by C.
Molecular consequence: 3 prime UTR variant.
Genome position (GRCh38, 1-based): chr18:49,823,724, T>G on the plus strand (A>C on the coding strand, the complement: MYO5B is on the minus strand). VCF-style: chr18-49823724-T-G. GRCh37 (hg19) VCF-style: chr18-47350094-T-G.
Identifiers: ClinVar variation 326937 (VCV000326937.6), dbSNP rs11876859, ClinGen allele CA10641531.
Genomic context (GRCh38, chr18:49,823,724, plus strand): 5'-GGAAAAACATCTACCTTTGGGTCTAATCTGCCTCCCAGGTGAGCCTACAGGTACTGGAAC[T>G]CTAACTGCAACTATGAGGGCACAGGGAAAATGCATGTATGTAATATGCTTGTCAGCTTCA-3'

ClinVar aggregate classification (germline): Benign. Review status: criteria provided, multiple submitters, no conflicts (2 of 4 stars). 2 submissions from 2 submitters: Benign (2). Last evaluated 2018-01-12.

Conditions:
Congenital microvillous atrophy (DIAR2). Also called: DAVIDSON DISEASE; MICROVILLUS ATROPHY, CONGENITAL; Microvillus inclusion disease; Diarrhea 2 with microvillus atrophy, with or without cholestasis; CONGENITAL FAMILIAL PROTRACTED DIARRHEA WITH ENTEROCYTE BRUSH-BORDER ABNORMALITIES. Identifiers: Orphanet 2290, MedGen C0341306, MONDO:0009635, OMIM 251850.

Allele frequency attached by ClinVar (database versions not stated): gnomAD 0.02257 and 0.02505; TOPMed 0.02438; 1000 Genomes Project 0.04852; 1000 Genomes Project 30x 0.04872.

Submissions (2):

Illumina Laboratory Services, Illumina
Classification: Benign for Congenital microvillous atrophy. Last evaluated: 2018-01-12. Review status: criteria provided, single submitter. Criteria: ICSL Variant Classification Criteria 13 December 2019. Collection method: clinical testing. Allele origin: germline.
Comment: This variant was observed in the ICSL laboratory as part of a predisposition screen in an ostensibly healthy population. It had not been previously curated by ICSL or reported in the Human Gene Mutation Database (HGMD: prior to June 1st, 2018), and was therefore a candidate for classification through an automated scoring system. Utilizing variant allele frequency, disease prevalence and penetrance estimates, and inheritance mode, an automated score was calculated to assess if this variant is too frequent to cause the disease. Based on the score and internal cut-off values, a variant classified as benign is not then subjected to further curation. The score for this variant resulted in a classification of benign for this disease.

Breakthrough Genomics
Classification: Benign. Review status: criteria provided, single submitter. Criteria: ACMG Guidelines, 2015. Collection method: not provided. Allele origin: germline. Inheritance: Autosomal recessive inheritance. Affected: yes.